The following is an entry in ClinVar:

NM_000432.4(MYL2):c.184A>T (p.Lys62Ter)

Gene: MYL2 (myosin light chain 2; minus strand). Cytogenetic location: 12q24.11.
Variant type: single nucleotide variant.
Coding change: c.184A>T on transcript NM_000432.4 (MANE Select); coding-DNA position 184, A replaced by T.
Protein change: p.Lys62Ter; replaces lysine 62 with a stop codon.
Molecular consequence: nonsense.
Genome position (GRCh38, 1-based): chr12:110,914,276, T>A on the plus strand (A>T on the coding strand, the complement: MYL2 is on the minus strand). VCF-style: chr12-110914276-T-A. GRCh37 (hg19) VCF-style: chr12-111352080-T-A.
Other names: short protein forms K62*.
Identifiers: ClinVar variation 164478 (VCV000164478.22), dbSNP rs201728041, ClinGen allele CA009930.
Genomic context (GRCh38, chr12:110,914,276, plus strand): 5'-ACACAGTAAAGTTAATTGGACCCGGAGCCTCCTTGATCATTTCATCAATTTCTTCATTTT[T>A]CACGTTCACTCGCCCTAGGGTAGGAAACACACACTCAGGGACTCCGAGCTGGGGAGAAAG-3'

ClinVar aggregate classification (germline): Conflicting classifications of pathogenicity. Review status: criteria provided, conflicting classifications (1 of 4 stars). 6 submissions from 6 submitters: Likely pathogenic (1); Uncertain significance (5). Last evaluated 2026-01-12.

Conditions:
Cardiomyopathy (CMYO). Also called: Cardiomyopathies. Identifiers: Orphanet 167848, MedGen C0878544, MONDO:0004994, HP:0001638. Inheritance: Various modes of inheritance.
Hypertrophic cardiomyopathy 10. Also called: MYL2-Related Familial Hypertrophic Cardiomyopathy; CARDIOMYOPATHY, HYPERTROPHIC, MID-LEFT VENTRICULAR CHAMBER TYPE, 2. Identifiers: MedGen C1834460, MONDO:0012112, OMIM 608758.
Hypertrophic cardiomyopathy. Also called: HYPERTROPHIC MYOCARDIOPATHY. Identifiers: Orphanet 217569, MedGen C0007194, MeSH D002312, MONDO:0005045, HP:0001639.

Allele frequency attached by ClinVar (database versions not stated): gnomAD exomes 0.00001; gnomAD 0.00002; TOPMed 0.00002.
gnomAD v4.1: 15 of 1,613,846 alleles (0.00093%); highest among the groups gnomAD compares: Non-Finnish European, 0.0013%; no homozygotes.

Submissions (6):

Labcorp Genetics (formerly Invitae), Labcorp
Classification: Uncertain significance for Hypertrophic cardiomyopathy 10. Last evaluated: 2026-01-12. Review status: criteria provided, single submitter. Criteria: Invitae Variant Classification Sherloc (09022015). Collection method: clinical testing. Allele origin: germline.
Comment: This sequence change creates a premature translational stop signal (p.Lys62*) in the MYL2 gene. It is expected to result in an absent or disrupted protein product. However, the current clinical and genetic evidence is not sufficient to establish whether loss-of-function variants in MYL2 cause disease. This variant is present in population databases (rs201728041, gnomAD 0.002%). This premature translational stop signal has been observed in individual(s) with hypertrophic cardiomyopathy (PMID: 27532257). ClinVar contains an entry for this variant (Variation ID: 164478). Algorithms developed to predict the effect of variants on gene product structure and function are not available or were not evaluated for this variant. Experimental studies have shown that this premature translational stop signal affects MYL2 function (PMID: 32453731). In summary, the available evidence is currently insufficient to determine the role of this variant in disease. Therefore, it has been classified as a Variant of Uncertain Significance.

Color Diagnostics, LLC DBA Color Health
Classification: Uncertain significance for Cardiomyopathy. Last evaluated: 2025-09-22. Review status: criteria provided, single submitter. Criteria: ACMG Guidelines, 2015. Collection method: clinical testing. Allele origin: germline.
Comment: This variant changes 1 nucleotide in exon 4 of the MYL2 gene, creating a premature translation stop signal. This variant is expected to result in an absent or non-functional protein product. A functional study has shown that the mutant protein exhibits impaired localization to cytoskeleton (PMID: 32453731). This variant has been reported in an individual affected with hypertrophic cardiomyopathy (PMID: 27532257). This variant has been identified in 2/251478 chromosomes in the general population by the Genome Aggregation Database (gnomAD). The role of loss-of-function MYL2 truncation variants in autosomal dominant cardiovascular disorders is not clearly understood. The available evidence is insufficient to determine the role of this variant in disease conclusively. Therefore, this variant is classified as a Variant of Uncertain Significance.

All of Us Research Program, National Institutes of Health
Classification: Uncertain significance for Hypertrophic cardiomyopathy. Last evaluated: 2024-03-24. Review status: criteria provided, single submitter. Criteria: ACMG Guidelines, 2015. Collection method: clinical testing. Allele origin: germline. Inheritance: Autosomal dominant inheritance. Observed: 4 variant alleles, 4 heterozygotes.
Comment: This variant changes 1 nucleotide in exon 4 of the MYL2 gene, creating a premature translation stop signal. This variant is expected to result in an absent or non-functional protein product. A functional study has shown that the mutant protein exhibits impaired localization to cytoskeleton, compared to wild-type (PMID: 32453731). This variant has been reported in one individual affected with hypertrophic cardiomyopathy (PMID: 27532257). This variant has been identified in 2/251478 chromosomes in the general population by the Genome Aggregation Database (gnomAD). Clinical relevance of loss-of-function MYL2 truncation variants in autosomal dominant cardiovascular disorders is not clearly established. The available evidence is insufficient to determine the role of this variant in disease conclusively. Therefore, this variant is classified as a Variant of Uncertain Significance.

This study involves interpretation of variants in research participants for the purpose of population health screening. Participant phenotype was not available at the time of variant classification. Additional details can be found in publication PMID: 35346344, PMCID: PMC8962531

GeneDx
Classification: Uncertain significance. Last evaluated: 2023-03-07. Review status: criteria provided, single submitter. Criteria: GeneDx Variant Classification Process June 2021. Collection method: clinical testing. Allele origin: germline. Affected: yes.
Comment: Reported in association with HCM, though additional patient-specific details were not described (Alfares et al., 2015; Walsh et al., 2017); Not observed at significant frequency in large population cohorts (gnomAD); Nonsense variant predicted to result in protein truncation or nonsense mediated decay in a gene or region of a gene for which loss of function is not a well-established mechanism of disease; This variant is associated with the following publications: (PMID: 25611685, 27532257, 32453731)

AiLife Diagnostics
Classification: Likely pathogenic. Last evaluated: 2021-12-28. Review status: criteria provided, single submitter. Criteria: ACMG Guidelines, 2015. Collection method: clinical testing. Allele origin: germline. Affected: yes. Observed: 1 variant allele.

Laboratory for Molecular Medicine, Mass General Brigham Personalized Medicine
Classification: Uncertain significance for Hypertrophic cardiomyopathy. Last evaluated: 2019-04-05. Review status: criteria provided, single submitter. Criteria: ACMG Guidelines, 2015. Collection method: clinical testing. Allele origin: germline.
Comment: It was absent from large population studies. This nonsense variant leads to a premature termination codon at position 62, which is predicted to lead to a truncated or absent protein. Although this variant is predicted to be deleterious to the protein, heterozygous loss of function of this gene is not an established disease mechanism and it is unclear if these variant types play a role in disease. In summary, while there is some suspicion for a pathogenic role, the clinical significance of the p.Lys62X variant is uncertain.

Literature cited by the submitters: PubMed 27532257 (cited by 4 submitters); PubMed 32453731 (cited by 4 submitters).